The following is an entry in ClinVar:

NM_025152.3(NUBPL):c.579dup (p.Ser194fs)

Gene: NUBPL (NUBP iron-sulfur cluster assembly factor, mitochondrial; plus strand). Cytogenetic location: 14q12.
Variant type: Duplication.
Coding change: c.579dup on transcript NM_025152.3 (MANE Select); coding-DNA position 579, one base duplicated (A; older notation c.579dupA).
Protein change: p.Ser194fs; shifts the reading frame from serine 194.
Molecular consequence: frameshift variant.
Genome position (GRCh38, 1-based): chr14:31,787,845, A duplicated. VCF-style (leftmost placement, unchanged base first): chr14-31787844-T-TA. GRCh37 (hg19) VCF-style: chr14-32257050-T-TA.
Other names: c.291dup, p.Ser98fs (NM_001201573.2); c.30dup, p.Ser11fs (NM_001201574.2); short protein forms S11fs, S98fs, S194fs.
Identifiers: ClinVar variation 3645600 (VCV003645600.2).
Genomic context (GRCh38, chr14:31,787,844, plus strand): 5'-ATTGGGGTCAACTGGACTACTTAGTTGTAGACATGCCACCAGGAACTGGAGATGTGCAGT[T>TA]ATCAGTCTCACAGAATATTCCTATAACAGGTAAATCTTCAAAGTTTAAAGTAATTTGTAC-3'

ClinVar aggregate classification (germline): Pathogenic (1 of 4 stars; one submission).

Submission:

Labcorp Genetics (formerly Invitae), Labcorp
Classification: Pathogenic. Last evaluated: 2024-03-13. Review status: criteria provided, single submitter. Criteria: Invitae Variant Classification Sherloc (09022015). Collection method: clinical testing. Allele origin: germline.
Comment: This sequence change creates a premature translational stop signal (p.Ser194Ilefs*30) in the NUBPL gene. It is expected to result in an absent or disrupted protein product. Loss-of-function variants in NUBPL are known to be pathogenic (PMID: 23553477, 31917109). This variant is not present in population databases (gnomAD no frequency). This variant has not been reported in the literature in individuals affected with NUBPL-related conditions. For these reasons, this variant has been classified as Pathogenic.

Literature cited by the submitters: PubMed 23553477; PubMed 31917109.